The following is an entry in ClinVar:

ClinVar aggregate classification (germline): Uncertain significance (1 of 4 stars; one submission).

Submission:

Labcorp Genetics (formerly Invitae), Labcorp
Classification: Uncertain significance. Last evaluated: 2023-08-02. Review status: criteria provided, single submitter. Criteria: Invitae Variant Classification Sherloc (09022015). Collection method: clinical testing. Allele origin: germline.
Comment: This sequence change replaces aspartic acid, which is acidic and polar, with glutamic acid, which is acidic and polar, at codon 604 of the A2ML1 protein (p.Asp604Glu). This variant is not present in population databases (gnomAD no frequency). This variant has not been reported in the literature in individuals affected with A2ML1-related conditions. Algorithms developed to predict the effect of missense changes on protein structure and function output the following: SIFT: "Not Available"; PolyPhen-2: "Benign"; Align-GVGD: "Not Available". The glutamic acid amino acid residue is found in multiple mammalian species, which suggests that this missense change does not adversely affect protein function. In summary, the available evidence is currently insufficient to determine the role of this variant in disease. Therefore, it has been classified as a Variant of Uncertain Significance.

NM_144670.6(A2ML1):c.1812C>G (p.Asp604Glu)

Gene: A2ML1 (alpha-2-macroglobulin like 1; plus strand). Cytogenetic location: 12p13.31.
Variant type: single nucleotide variant.
Coding change: c.1812C>G on transcript NM_144670.6 (MANE Select); coding-DNA position 1812, C replaced by G.
Protein change: p.Asp604Glu; replaces aspartic acid 604 with glutamic acid.
Molecular consequence: missense variant.
Genome position (GRCh38, 1-based): chr12:8,847,677, C>G. VCF-style: chr12-8847677-C-G. GRCh37 (hg19) VCF-style: chr12-9000273-C-G.
Other names: c.339C>G, p.Asp113Glu (NM_001282424.3); short protein forms D604E, D113E.
Identifiers: ClinVar variation 3017335 (VCV003017335.3), dbSNP rs1182071876, ClinGen allele CA383829890.